The following is an entry in ClinVar:

NC_000002.11:g.(?_109356925)_(109357157_?)del

Gene: RANBP2 (RAN binding protein 2; plus strand). Cytogenetic location: 2q12.3.
Variant type: Deletion.
Identifiers: ClinVar variation 1011312 (VCV001011312.3).

ClinVar aggregate classification (germline): Uncertain significance (1 of 4 stars; one submission).

Conditions:
Familial acute necrotizing encephalopathy (IIAE3). Also called: ENCEPHALOPATHY, ACUTE, INFECTION-INDUCED, SUSCEPTIBILITY TO, 3; Susceptibility to Acute Necrotizing Encephalopathy 1. Identifiers: Orphanet 88619, MedGen C2675556, MONDO:0011953, OMIM 608033.

Submission:

Labcorp Genetics (formerly Invitae), Labcorp
Classification: Uncertain significance for Familial acute necrotizing encephalopathy. Last evaluated: 2020-01-16. Review status: criteria provided, single submitter. Criteria: Invitae Variant Classification Sherloc (09022015). Collection method: clinical testing. Allele origin: germline.
Comment: In summary, the available evidence is currently insufficient to determine the role of this variant in disease. Therefore, it has been classified as a Variant of Uncertain Significance. The current clinical and genetic evidence is not sufficient to establish whether loss-of-function variants in RANBP2 cause disease. This variant has not been reported in the literature in individuals with RANBP2-related conditions. This variant is an out-of-frame deletion of the genomic region encompassing exon 7 of the RANBP2 gene. This is expected to create a premature translational stop signal and result in an absent or disrupted protein product.